The following is an entry in ClinVar:

NM_004415.4(DSP):c.4315G>A (p.Glu1439Lys)

Gene: DSP (desmoplakin; plus strand). Cytogenetic location: 6p24.3.
Variant type: single nucleotide variant.
Coding change: c.4315G>A on transcript NM_004415.4 (MANE Select); coding-DNA position 4315, G replaced by A.
Protein change: p.Glu1439Lys; replaces glutamic acid 1439 with lysine.
Molecular consequence: missense variant. On other transcripts: intron variant (2).
Genome position (GRCh38, 1-based): chr6:7,580,505, G>A. VCF-style: chr6-7580505-G-A. GRCh37 (hg19) VCF-style: chr6-7580738-G-A.
Other names: c.4050+265G>A (NM_001319034.2); c.3582+733G>A (NM_001008844.3); short protein forms E1439K.
Identifiers: ClinVar variation 4794792 (VCV004794792.1).

ClinVar aggregate classification (germline): Uncertain significance (1 of 4 stars; one submission).

Conditions:
Arrhythmogenic right ventricular dysplasia 8 (ARVD8). Also called: Arrhythmogenic Right Ventricular Dysplasia/Cardiomyopathy 8; ARRHYTHMOGENIC RIGHT VENTRICULAR DYSPLASIA, FAMILIAL, 8; ARRHYTHMOGENIC RIGHT VENTRICULAR CARDIOMYOPATHY 8. Identifiers: MedGen C1843896, MONDO:0011831, OMIM 607450.
Arrhythmogenic cardiomyopathy with wooly hair and keratoderma. Also called: PALMOPLANTAR KERATODERMA WITH LEFT VENTRICULAR CARDIOMYOPATHY AND WOOLLY HAIR; Dilated cardiomyopathy with woolly hair and keratoderma; Arrhythmogenic cardiomyopathy with woolly hair and keratoderma; Carvajal syndrome. Identifiers: Orphanet 65282, MedGen C1854063, MONDO:0011581, OMIM 605676.

gnomAD v4.1: 2 of 1,614,134 alleles (0.00012%); highest among the groups gnomAD compares: South Asian, 0.0011%; no homozygotes.

Submission:

Labcorp Genetics (formerly Invitae), Labcorp
Classification: Uncertain significance for Arrhythmogenic cardiomyopathy with wooly hair and keratoderma; Arrhythmogenic right ventricular dysplasia 8. Last evaluated: 2025-10-23. Review status: criteria provided, single submitter. Criteria: Invitae Variant Classification Sherloc (09022015). Collection method: clinical testing. Allele origin: germline.
Comment: This sequence change replaces glutamic acid, which is acidic and polar, with lysine, which is basic and polar, at codon 1439 of the DSP protein (p.Glu1439Lys). This variant is not present in population databases (gnomAD no frequency). This variant has not been reported in the literature in individuals affected with DSP-related conditions. An algorithm developed to predict the effect of missense changes on protein structure and function (PolyPhen-2) suggests that this variant is likely to be disruptive. In summary, the available evidence is currently insufficient to determine the role of this variant in disease. Therefore, it has been classified as a Variant of Uncertain Significance.